The following is an entry in ClinVar:

Conditions:
Arteriohepatic dysplasia. Also called: Alagille Syndrome. Identifiers: Orphanet 52, MedGen C0085280, MeSH D016738, MONDO:0007318.

gnomAD v4.1: 2 of 1,612,850 alleles (0.00012%); highest among the groups gnomAD compares: East Asian, 0.0045%; no homozygotes.

Submission:

Gilbert/Spinner Lab, Children's Hospital of Philadelphia
No classification provided (evidence only). Condition: Alagille syndrome. Review status: no classification provided. Collection method: research. Allele origin: not applicable. Functional consequence: functionally_abnormal.
ClinVar note: "not provided" was previously submitted as the classification for the variant. However, the classification appeared to be based only on an observation of functional data so it was converted to no classification on 2025-07-30.

NM_000214.3(JAG1):c.135G>C (p.Val45=)

Gene: JAG1 (jagged canonical Notch ligand 1; minus strand). Cytogenetic location: 20p12.2.
Variant type: single nucleotide variant.
Coding change: c.135G>C on transcript NM_000214.3 (MANE Select); coding-DNA position 135, G replaced by C.
Protein change: p.Val45=; no amino-acid change (valine 45 retained).
Molecular consequence: synonymous variant.
Genome position (GRCh38, 1-based): chr20:10,672,953, C>G on the plus strand (G>C on the coding strand, the complement: JAG1 is on the minus strand). VCF-style: chr20-10672953-C-G. GRCh37 (hg19) VCF-style: chr20-10653601-C-G.
Identifiers: ClinVar variation 3573244 (VCV003573244.2).